The following is an entry in ClinVar:

NM_001692.4(ATP6V1B1):c.605G>A (p.Arg202His)

Gene: ATP6V1B1 (ATPase H+ transporting V1 subunit B1; plus strand). Cytogenetic location: 2p13.3.
Variant type: single nucleotide variant.
Coding change: c.605G>A on transcript NM_001692.4 (MANE Select); coding-DNA position 605, G replaced by A.
Protein change: p.Arg202His; replaces arginine 202 with histidine.
Molecular consequence: missense variant.
Genome position (GRCh38, 1-based): chr2:70,960,940, G>A. VCF-style: chr2-70960940-G-A. GRCh37 (hg19) VCF-style: chr2-71188070-G-A.
Other names: short protein forms R202H.
Identifiers: ClinVar variation 1493614 (VCV001493614.6), dbSNP rs782603735, ClinGen allele CA1701110.

ClinVar aggregate classification (germline): Uncertain significance. Review status: criteria provided, multiple submitters, no conflicts (2 of 4 stars). 2 submissions from 2 submitters: Uncertain significance (2). Last evaluated 2022-02-15.

Conditions:
Renal tubular acidosis with progressive nerve deafness. Also called: RENAL TUBULAR ACIDOSIS, AUTOSOMAL RECESSIVE, WITH PROGRESSIVE NERVE DEAFNESS; RTA WITH PROGRESSIVE NERVE DEAFNESS; Distal Renal Tubular Acidosis with Progressive Sensorineural Deafness; renal tubular acidosis, distal, 2, with progressive sensorineural hearing loss. Identifiers: MedGen C0403554, MONDO:0009968, OMIM 267300.

Allele frequency attached by ClinVar (database versions not stated): gnomAD 0.00001; gnomAD exomes 0.00001; TOPMed 0.00002; ExAC 0.00003.

Submissions (2):

Fulgent Genetics
Classification: Uncertain significance for Renal tubular acidosis with progressive nerve deafness. Last evaluated: 2022-02-15. Review status: criteria provided, single submitter. Criteria: ACMG Guidelines, 2015. Collection method: clinical testing. Allele origin: unknown.

Labcorp Genetics (formerly Invitae), Labcorp
Classification: Uncertain significance. Last evaluated: 2021-08-27. Review status: criteria provided, single submitter. Criteria: Invitae Variant Classification Sherloc (09022015). Collection method: clinical testing. Allele origin: germline.
Comment: This sequence change replaces arginine with histidine at codon 202 of the ATP6V1B1 protein (p.Arg202His). The arginine residue is highly conserved and there is a small physicochemical difference between arginine and histidine. This variant is present in population databases (rs782603735, ExAC 0.02%). This variant has not been reported in the literature in individuals affected with ATP6V1B1-related conditions. Algorithms developed to predict the effect of missense changes on protein structure and function (SIFT, PolyPhen-2, Align-GVGD) all suggest that this variant is likely to be disruptive. In summary, the available evidence is currently insufficient to determine the role of this variant in disease. Therefore, it has been classified as a Variant of Uncertain Significance.